The following is an entry in ClinVar:

NM_024422.6(DSC2):c.599C>A (p.Pro200His)

Gene: DSC2 (desmocollin 2; minus strand). Cytogenetic location: 18q12.1.
Variant type: single nucleotide variant.
Coding change: c.599C>A on transcript NM_024422.6 (MANE Select); coding-DNA position 599, C replaced by A.
Protein change: p.Pro200His; replaces proline 200 with histidine.
Molecular consequence: missense variant.
Genome position (GRCh38, 1-based): chr18:31,089,470, G>T on the plus strand (C>A on the coding strand, the complement: DSC2 is on the minus strand). VCF-style: chr18-31089470-G-T. GRCh37 (hg19) VCF-style: chr18-28669433-G-T.
Other names: c.170C>A, p.Pro57His (NM_001406506.1, NM_001406507.1); c.599C>A, p.Pro200His (NM_004949.5); short protein forms P200H, P57H.
Identifiers: ClinVar variation 4741959 (VCV004741959.1).

ClinVar aggregate classification (germline): Uncertain significance (1 of 4 stars; one submission).

Conditions:
Arrhythmogenic right ventricular dysplasia 11. Also called: ARRHYTHMOGENIC RIGHT VENTRICULAR DYSPLASIA, FAMILIAL, 11; Arrhythmogenic Right Ventricular Dysplasia/Cardiomyopathy11; Arrhythmogenic right ventricular dysplasia 11 with mild palmoplantar keratoderma and woolly hair. Identifiers: MedGen C1864850, MONDO:0012506, OMIM 610476.

Submission:

Labcorp Genetics (formerly Invitae), Labcorp
Classification: Uncertain significance for Arrhythmogenic right ventricular dysplasia 11. Last evaluated: 2025-11-24. Review status: criteria provided, single submitter. Criteria: Invitae Variant Classification Sherloc (09022015). Collection method: clinical testing. Allele origin: germline.
Comment: This sequence change replaces proline, which is neutral and non-polar, with histidine, which is basic and polar, at codon 200 of the DSC2 protein (p.Pro200His). This variant is not present in population databases (gnomAD no frequency). This variant has not been reported in the literature in individuals affected with DSC2-related conditions. Invitae Evidence Modeling of protein sequence and biophysical properties (such as structural, functional, and spatial information, amino acid conservation, physicochemical variation, residue mobility, and thermodynamic stability) indicates that this missense variant is not expected to disrupt DSC2 protein function with a negative predictive value of 80%. In summary, the available evidence is currently insufficient to determine the role of this variant in disease. Therefore, it has been classified as a Variant of Uncertain Significance.